The following is an entry in ClinVar:

NM_001282225.2(ADA2):c.1423C>A (p.Leu475Met)

Gene: ADA2 (adenosine deaminase 2; minus strand). Cytogenetic location: 22q11.1.
Variant type: single nucleotide variant.
Coding change: c.1423C>A on transcript NM_001282225.2 (MANE Select); coding-DNA position 1423, C replaced by A.
Protein change: p.Leu475Met; replaces leucine 475 with methionine.
Molecular consequence: missense variant.
Genome position (GRCh38, 1-based): chr22:17,181,839, G>T on the plus strand (C>A on the coding strand, the complement: ADA2 is on the minus strand). VCF-style: chr22-17181839-G-T. GRCh37 (hg19) VCF-style: chr22-17662729-G-T.
Other names: c.1423C>A, p.Leu475Met (NM_001282226.2); c.1297C>A, p.Leu433Met (NM_001282227.2, NM_001282228.2); c.1063C>A, p.Leu355Met (NM_001282229.2); c.700C>A, p.Leu234Met (NM_177405.3); short protein forms L475M, L433M, L234M, L355M.
Identifiers: ClinVar variation 579801 (VCV000579801.11), dbSNP rs138076444, ClinGen allele CA410231646.
Genomic context (GRCh38, chr22:17,181,839, plus strand): 5'-TGGAAGGAGGCGGGGGACCTGGGAGGACACAGGACACTCACTTGATAGAGTTCATGGCCA[G>T]CTGTTTGAGGGTCCTCAGGTCAGCCTTCATCCCCCCAATGCCCATGAAGACCTCATAGAA-3'
Protein context (NP_001269154.1, residues 465-485): MKADLRTLKQ[Leu475Met]AMNSIKYSTL

ClinVar aggregate classification (germline): Uncertain significance (1 of 4 stars; one submission).

Conditions:
Deficiency of adenosine deaminase 2. Also called: Adenosine Deaminase 2 Deficiency; VASCULITIS, AUTOINFLAMMATION, IMMUNODEFICIENCY, AND HEMATOLOGIC DEFECTS SYNDROME; Polyarteritis nodosa, childhoood-onset. Identifiers: Orphanet 404553, MedGen C3887654, MONDO:0014306, OMIM 615688, MONDO:0100317.

Submission:

Labcorp Genetics (formerly Invitae), Labcorp
Classification: Uncertain significance for Deficiency of adenosine deaminase 2. Last evaluated: 2019-10-19. Review status: criteria provided, single submitter. Criteria: Invitae Variant Classification Sherloc (09022015). Collection method: clinical testing. Allele origin: germline.
Comment: In summary, the available evidence is currently insufficient to determine the role of this variant in disease. Therefore, it has been classified as a Variant of Uncertain Significance. Algorithms developed to predict the effect of missense changes on protein structure and function do not agree on the potential impact of this missense change (SIFT: "Deleterious"; PolyPhen-2: "Probably Damaging"; Align-GVGD: "Class C0"). This variant has not been reported in the literature in individuals with ADA2-related disease. This variant is not present in population databases (ExAC no frequency). This sequence change replaces leucine with methionine at codon 475 of the ADA2 protein (p.Leu475Met). The leucine residue is highly conserved and there is a small physicochemical difference between leucine and methionine.